The following is an entry in ClinVar:

ClinVar aggregate classification (germline): Uncertain significance (1 of 4 stars; one submission).

Conditions:
Dextro-looped transposition of the great arteries. Also called: Dextrotransposition of the great arteries. Identifiers: Orphanet 860, MedGen C3531771, MONDO:0019443, OMIM 608808, HP:0031348.

Submission:

Labcorp Genetics (formerly Invitae), Labcorp
Classification: Uncertain significance for Dextro-looped transposition of the great arteries. Last evaluated: 2025-05-27. Review status: criteria provided, single submitter. Criteria: Invitae Variant Classification Sherloc (09022015). Collection method: clinical testing. Allele origin: germline.
Comment: This sequence change replaces glycine, which is neutral and non-polar, with arginine, which is basic and polar, at codon 1619 of the MED13L protein (p.Gly1619Arg). This variant is not present in population databases (gnomAD no frequency). This variant has not been reported in the literature in individuals affected with MED13L-related conditions. Invitae Evidence Modeling of protein sequence and biophysical properties (such as structural, functional, and spatial information, amino acid conservation, physicochemical variation, residue mobility, and thermodynamic stability) has been performed for this missense variant. However, the output from this modeling did not meet the statistical confidence thresholds required to predict the impact of this variant on MED13L protein function. In summary, the available evidence is currently insufficient to determine the role of this variant in disease. Therefore, it has been classified as a Variant of Uncertain Significance.

NM_015335.5(MED13L):c.4855G>A (p.Gly1619Arg)

Gene: MED13L (mediator complex subunit 13L; minus strand). Cytogenetic location: 12q24.21.
Variant type: single nucleotide variant.
Coding change: c.4855G>A on transcript NM_015335.5 (MANE Select); coding-DNA position 4855, G replaced by A.
Protein change: p.Gly1619Arg; replaces glycine 1619 with arginine.
Molecular consequence: missense variant.
Genome position (GRCh38, 1-based): chr12:115,983,217, C>T on the plus strand (G>A on the coding strand, the complement: MED13L is on the minus strand). VCF-style: chr12-115983217-C-T. GRCh37 (hg19) VCF-style: chr12-116421022-C-T.
Other names: short protein forms G1619R.
Identifiers: ClinVar variation 4810589 (VCV004810589.1).